The following is an entry in ClinVar:

ClinVar aggregate classification (germline): Likely benign. Review status: criteria provided, multiple submitters, no conflicts (2 of 4 stars). 3 submissions from 3 submitters: Likely benign (2). 1 of the submissions does not count toward it. Last evaluated 2025-08-18.

Conditions:
Autosomal recessive ataxia, Beauce type. Also called: Spinocerebellar ataxia, autosomal recessive 8; ATAXIA, RECESSIVE, OF BEAUCE; SYNE1-Related Autosomal Recessive Cerebellar Ataxia; SYNE1 Deficiency. Identifiers: Orphanet 88644, MedGen C1853116, MONDO:0012549, OMIM 610743.
Emery-Dreifuss muscular dystrophy 4, autosomal dominant (EDMD4). Also called: EMERY-DREIFUSS MUSCULAR DYSTROPHY 4 WITH VARIABLE FEATURES. Identifiers: Orphanet 261, MedGen C2751807, MONDO:0013071, OMIM 612998.
SYNE1-related disorder. Also called: SYNE1-related disorders; SYNE1-related disease; SYNE1-related condition.

Allele frequency attached by ClinVar (database versions not stated): ExAC 0.00002; gnomAD exomes 0.00002; ESP Exome Variant Server 0.00008; gnomAD 0.00010; 1000 Genomes Project 30x 0.00016; 1000 Genomes Project 0.00020.
gnomAD v4.1: 43 of 1,603,320 alleles (0.0027%); highest among the groups gnomAD compares: African/African-American, 0.027%; no homozygotes.

Submissions (3):

Labcorp Genetics (formerly Invitae), Labcorp
Classification: Likely benign for Emery-Dreifuss muscular dystrophy 4, autosomal dominant; Autosomal recessive ataxia, Beauce type. Last evaluated: 2025-08-18. Review status: criteria provided, single submitter. Criteria: Invitae Variant Classification Sherloc (09022015). Collection method: clinical testing. Allele origin: germline.

Athena Diagnostics
Classification: Likely benign. Last evaluated: 2021-03-29. Review status: criteria provided, single submitter. Criteria: Athena Diagnostics criteria. Collection method: clinical testing. Allele origin: unknown.

PreventionGenetics, part of Exact Sciences
Classification: Likely benign for SYNE1-related condition. Last evaluated: 2019-02-19. Review status: no assertion criteria provided. Collection method: clinical testing. Allele origin: germline. Not counted in ClinVar's aggregate classification.
Comment: This variant is classified as likely benign based on ACMG/AMP sequence variant interpretation guidelines (Richards et al. 2015 PMID: 25741868, with internal and published modifications).

NM_182961.4(SYNE1):c.7767C>T (p.His2589=)

Gene: SYNE1 (spectrin repeat containing nuclear envelope protein 1; minus strand). Cytogenetic location: 6q25.2.
Variant type: single nucleotide variant.
Coding change: c.7767C>T on transcript NM_182961.4 (MANE Select); coding-DNA position 7767, C replaced by T.
Protein change: p.His2589=; no amino-acid change (histidine 2589 retained).
Molecular consequence: synonymous variant.
Genome position (GRCh38, 1-based): chr6:152,391,514, G>A on the plus strand (C>T on the coding strand, the complement: SYNE1 is on the minus strand). VCF-style: chr6-152391514-G-A. GRCh37 (hg19) VCF-style: chr6-152712649-G-A.
Other names: c.7788C>T (NM_033071.3); c.7788C>T, p.His2596= (NM_033071.5).
Identifiers: ClinVar variation 1118074 (VCV001118074.12), dbSNP rs149165706, ClinGen allele CA4057689.
Genomic context (GRCh38, chr6:152,391,514, plus strand): 5'-AAGTAGGTTCTGGTGGCTTGTGAGGAGCTGGGAACACAGGCGGCCCTCCTGCCCAGCACC[G>A]TGGCCTTCTTCACTCAGAAGCTGCCCTCTCTGGGAAAGCTTATCAAGAGACTCTCTGAAA-3'
Protein context (NP_892006.3, residues 2579-2599): QRGQLLSEEG[His2589=]GAGQEGRLCS